The following is an entry in ClinVar:

NM_017849.4(TMEM127):c.233A>G (p.Asp78Gly)

Gene: TMEM127 (transmembrane protein 127; minus strand). Cytogenetic location: 2q11.2.
Variant type: single nucleotide variant.
Coding change: c.233A>G on transcript NM_017849.4 (MANE Select); coding-DNA position 233, A replaced by G.
Protein change: p.Asp78Gly; replaces aspartic acid 78 with glycine.
Molecular consequence: missense variant.
Genome position (GRCh38, 1-based): chr2:96,265,149, T>C on the plus strand (A>G on the coding strand, the complement: TMEM127 is on the minus strand). VCF-style: chr2-96265149-T-C. GRCh37 (hg19) VCF-style: chr2-96930887-T-C.
Other names: c.233A>G, p.Asp78Gly (NM_001193304.3); short protein forms D78G.
Identifiers: ClinVar variation 1789826 (VCV001789826.2), dbSNP rs2104307185, ClinGen allele CA347655847.

ClinVar aggregate classification (germline): Uncertain significance (1 of 4 stars; one submission).

Conditions:
Hereditary cancer-predisposing syndrome. Also called: Hereditary Cancer Syndrome; Hereditary neoplastic syndrome; Tumor predisposition; Neoplastic Syndromes, Hereditary. Identifiers: Orphanet 140162, MedGen C0027672, MeSH D009386, MONDO:0015356.

Submission:

Ambry Genetics
Classification: Uncertain significance for Hereditary cancer-predisposing syndrome. Last evaluated: 2021-10-13. Review status: criteria provided, single submitter. Criteria: Ambry Variant Classification Scheme 2023. Collection method: clinical testing. Allele origin: germline.
Comment: The p.D78G variant (also known as c.233A>G), located in coding exon 1 of the TMEM127 gene, results from an A to G substitution at nucleotide position 233. The aspartic acid at codon 78 is replaced by glycine, an amino acid with similar properties. This amino acid position is not well conserved in available vertebrate species. In addition, this alteration is predicted to be tolerated by in silico analysis. Since supporting evidence is limited at this time, the clinical significance of this alteration remains unclear.